The following is an entry in ClinVar:

NM_004082.5(DCTN1):c.3747C>G (p.Thr1249=)

Gene: DCTN1 (dynactin subunit 1; minus strand). Cytogenetic location: 2p13.1.
Variant type: single nucleotide variant.
Coding change: c.3747C>G on transcript NM_004082.5 (MANE Select); coding-DNA position 3747, C replaced by G.
Protein change: p.Thr1249=; no amino-acid change (threonine 1249 retained).
Molecular consequence: synonymous variant. On other transcripts: non-coding transcript variant (1).
Genome position (GRCh38, 1-based): chr2:74,361,589, G>C on the plus strand (C>G on the coding strand, the complement: DCTN1 is on the minus strand). VCF-style: chr2-74361589-G-C. GRCh37 (hg19) VCF-style: chr2-74588716-G-C.
Other names: p.Thr1249=; c.3621C>G, p.Thr1207= (NM_001190836.2); c.3726C>G, p.Thr1242= (NM_001190837.2); c.3696C>G, p.Thr1232= (NM_001378991.1); c.3678C>G, p.Thr1226= (NM_001378992.1); c.3345C>G, p.Thr1115= (NM_023019.4); c.3672C>G, p.Thr1224= (NM_001135040.3); c.3330C>G, p.Thr1110= (NM_001135041.3).
Identifiers: ClinVar variation 764114 (VCV000764114.13), dbSNP rs759710617, ClinGen allele CA1721358.

ClinVar aggregate classification (germline): Likely benign. Review status: criteria provided, multiple submitters, no conflicts (2 of 4 stars). 3 submissions from 3 submitters: Likely benign (2). 1 of the submissions does not count toward it. Last evaluated 2025-06-03.

Conditions:
Neuronopathy, distal hereditary motor, type 7B. Also called: NEURONOPATHY, DISTAL HEREDITARY MOTOR, AUTOSOMAL DOMINANT 14; NEURONOPATHY, DISTAL HEREDITARY MOTOR, HARDING TYPE VIIB; NEUROPATHY, DISTAL HEREDITARY MOTOR, HARDING TYPE VIIB; NEUROPATHY, DISTAL HEREDITARY MOTOR, WITH VOCAL CORD PARALYSIS, HARDING TYPE VIIB; HMN VIIB; LOWER MOTOR NEURON DISEASE, DYNACTIN TYPE. Identifiers: Orphanet 139589, MedGen C1843315, MONDO:0011879, OMIM 607641.
Perry syndrome. Also called: PARKINSONISM WITH ALVEOLAR HYPOVENTILATION AND MENTAL DEPRESSION. Identifiers: Orphanet 178509, MedGen C1868594, MONDO:0008201, OMIM 168605.
Amyotrophic lateral sclerosis type 1 (ALS1). Also called: AMYOTROPHIC LATERAL SCLEROSIS 1, FAMILIAL. Identifiers: Orphanet 803, MedGen C1862939, MONDO:0007103, OMIM 105400.
DCTN1-related disorder. Also called: DCTN1-related condition.

Allele frequency attached by ClinVar (database versions not stated): ExAC 0.00001; TOPMed 0.00002.
gnomAD v4.1: 96 of 1,613,978 alleles (0.0059%); highest among the groups gnomAD compares: Non-Finnish European, 0.008%; no homozygotes.

Submissions (3):

Mayo Clinic Laboratories, Mayo Clinic
Classification: Likely benign. Last evaluated: 2025-06-03. Review status: criteria provided, single submitter. Criteria: ACMG Guidelines, 2015. Collection method: clinical testing. Allele origin: germline. Observed: 1 variant allele.
Comment: BP4, BP7

Labcorp Genetics (formerly Invitae), Labcorp
Classification: Likely benign for Amyotrophic lateral sclerosis type 1; Neuronopathy, distal hereditary motor, type 7B; Perry syndrome. Last evaluated: 2024-02-13. Review status: criteria provided, single submitter. Criteria: Invitae Variant Classification Sherloc (09022015). Collection method: clinical testing. Allele origin: germline.

PreventionGenetics, part of Exact Sciences
Classification: Likely benign for DCTN1-related condition. Last evaluated: 2022-08-01. Review status: no assertion criteria provided. Collection method: clinical testing. Allele origin: germline. Not counted in ClinVar's aggregate classification.
Comment: This variant is classified as likely benign based on ACMG/AMP sequence variant interpretation guidelines (Richards et al. 2015 PMID: 25741868, with internal and published modifications).